The following is an entry in ClinVar:

NM_001080467.3(MYO5B):c.5276C>A (p.Ala1759Asp)

Genes: MYO5B (myosin VB; minus strand), SNHG22 (small nucleolar RNA host gene 22; plus strand). Cytogenetic location: 18q21.1.
Variant type: single nucleotide variant.
Coding change: c.5276C>A on transcript NM_001080467.3 (MANE Select); coding-DNA position 5276, C replaced by A.
Protein change: p.Ala1759Asp; replaces alanine 1759 with aspartic acid.
Molecular consequence: missense variant.
Genome position (GRCh38, 1-based): chr18:49,836,748, G>T on the plus strand (C>A on the coding strand, the complement: MYO5B is on the minus strand). VCF-style: chr18-49836748-G-T. GRCh37 (hg19) VCF-style: chr18-47363118-G-T.
Other names: short protein forms A1759D.
Identifiers: ClinVar variation 1934312 (VCV001934312.5), dbSNP rs745453435, ClinGen allele CA402419940.
Genomic context (GRCh38, chr18:49,836,748, plus strand): 5'-ACAGAGGTGCAAAGTGACTGTACCTGCTGGGTGCTGAGGGAGGTACACAGGGAGCAGATA[G>T]CCTCTGCGTCCTCCTGGGTTTTCTTCTTTAATTGCAGGAGCTGGGCTGCTTGGATCAGAG-3'
Protein context (NP_001073936.1, residues 1749-1769): LKKKTQEDAE[Ala1759Asp]ICSLCTSLST

ClinVar aggregate classification (germline): Uncertain significance (1 of 4 stars; one submission).

Submission:

Labcorp Genetics (formerly Invitae), Labcorp
Classification: Uncertain significance. Last evaluated: 2022-09-21. Review status: criteria provided, single submitter. Criteria: Invitae Variant Classification Sherloc (09022015). Collection method: clinical testing. Allele origin: germline.
Comment: In summary, the available evidence is currently insufficient to determine the role of this variant in disease. Therefore, it has been classified as a Variant of Uncertain Significance. Advanced modeling of protein sequence and biophysical properties (such as structural, functional, and spatial information, amino acid conservation, physicochemical variation, residue mobility, and thermodynamic stability) performed at Invitae indicates that this missense variant is not expected to disrupt MYO5B protein function. This variant has not been reported in the literature in individuals affected with MYO5B-related conditions. This variant is not present in population databases (gnomAD no frequency). This sequence change replaces alanine, which is neutral and non-polar, with aspartic acid, which is acidic and polar, at codon 1759 of the MYO5B protein (p.Ala1759Asp).